The following is an entry in ClinVar:

ClinVar aggregate classification (germline): Likely pathogenic (1 of 4 stars; one submission).

Conditions:
Autosomal recessive limb-girdle muscular dystrophy type 2J (LGMDR10). Also called: Limb-girdle muscular dystrophy, type 2J; MUSCULAR DYSTROPHY, LIMB-GIRDLE, AUTOSOMAL RECESSIVE 10. Identifiers: Orphanet 140922, MedGen C1837342, MONDO:0012127, OMIM 608807.
Dilated cardiomyopathy 1G (CMD1G). Identifiers: Orphanet 154, MedGen C1858763, MONDO:0011400, OMIM 604145.

Submission:

Labcorp Genetics (formerly Invitae), Labcorp
Classification: Likely pathogenic for Dilated cardiomyopathy 1G; Autosomal recessive limb-girdle muscular dystrophy type 2J. Last evaluated: 2024-10-18. Review status: criteria provided, single submitter. Criteria: Invitae Variant Classification Sherloc (09022015). Collection method: clinical testing. Allele origin: germline.
Comment: This sequence change creates a premature translational stop signal (p.Gln5205Hisfs*22) in the TTN gene. While this is not anticipated to result in nonsense mediated decay, it is expected to create a truncated TTN protein. This variant is not present in population databases (gnomAD no frequency). This variant has not been reported in the literature in individuals affected with TTN-related conditions. ClinVar contains an entry for this variant (Variation ID: 2021026). Algorithms developed to predict the effect of sequence changes on RNA splicing suggest that this variant may disrupt the consensus splice site. This variant is located in the I band of TTN (PMID: 25589632). Truncating variants in this region have been reported in individuals affected with autosomal recessive centronuclear myopathy (PMID: 23975875, internal data). Truncating variants in this region have also been identified in individuals affected with autosomal dominant dilated cardiomyopathy and/or cardio-related conditions (PMID: 27869827, 32964742, internal data). In summary, the currently available evidence indicates that the variant is pathogenic, but additional data are needed to prove that conclusively. Therefore, this variant has been classified as Likely Pathogenic.

Literature cited by the submitters: PubMed 25589632; PubMed 23975875; PubMed 27869827; PubMed 32964742.

NM_001267550.2(TTN):c.15615_15622del (p.Gln5205fs)

Gene: TTN (titin; minus strand). Cytogenetic location: 2q31.2.
Variant type: Deletion.
Coding change: c.15615_15622del on transcript NM_001267550.2 (MANE Select); coding-DNA positions 15615 to 15622, 8 bases deleted (AGAGGTCA; older notation c.15615_15622delAGAGGTCA).
Protein change: p.Gln5205fs; shifts the reading frame from glutamine 5205.
Molecular consequence: frameshift variant. On other transcripts: intron variant (3).
Genome position (GRCh38, 1-based): chr2:178,733,767-178,733,774, TGACCTCT deleted on the plus strand (AGAGGTCA on the coding strand, the reverse complement: TTN is on the minus strand); deleting any 8 consecutive bases within chr2:178,733,767-178,733,780 gives the same sequence; the c. name uses the placement nearest the transcript's 3' end. VCF-style (leftmost placement, unchanged base first): chr2-178733766-ATGACCTCT-A. GRCh37 (hg19) VCF-style: chr2-179598493-ATGACCTCT-A.
Other names: c.14664_14671del, p.Gln4888fs (NM_001256850.1); c.11883_11890del, p.Gln3961fs (NM_133378.4); c.13282+4308_13282+4315del (NM_003319.4); c.13858+4308_13858+4315del (NM_133437.4); c.13657+4308_13657+4315del (NM_133432.3); short protein forms Q4888fs, Q3961fs, Q5205fs.
Identifiers: ClinVar variation 2021026 (VCV002021026.4), dbSNP rs2530223985, ClinGen allele CA2580065136.